The following is an entry in ClinVar:

NM_001868.4(CPA1):c.1138G>A (p.Glu380Lys)

Gene: CPA1 (carboxypeptidase A1; plus strand). Cytogenetic location: 7q32.2.
Variant type: single nucleotide variant.
Coding change: c.1138G>A on transcript NM_001868.4 (MANE Select); coding-DNA position 1138, G replaced by A.
Protein change: p.Glu380Lys; replaces glutamic acid 380 with lysine.
Molecular consequence: missense variant.
Genome position (GRCh38, 1-based): chr7:130,387,889, G>A. VCF-style: chr7-130387889-G-A. GRCh37 (hg19) VCF-style: chr7-130027730-G-A.
Other names: c.1138G>A (NM_001868.2); short protein forms E380K.
Identifiers: ClinVar variation 2136615 (VCV002136615.5), dbSNP rs148329227, ClinGen allele CA4485068.

ClinVar aggregate classification (germline): Uncertain significance. Review status: criteria provided, multiple submitters, no conflicts (2 of 4 stars). 2 submissions from 2 submitters: Uncertain significance (2). Last evaluated 2025-10-15.

Conditions:
Hereditary pancreatitis (PCTT). Also called: Hereditary chronic pancreatitis; PRSS1-Related Hereditary Pancreatitis. Identifiers: Orphanet 676, MedGen C0238339, MONDO:0008185, OMIM 167800.

Allele frequency attached by ClinVar (database versions not stated): gnomAD 0.00001; TOPMed 0.00002; ESP Exome Variant Server 0.00008.
gnomAD v4.1: 3 of 1,614,014 alleles (0.00019%); highest among the groups gnomAD compares: Admixed American, 0.0017%; no homozygotes.

Submissions (2):

Ambry Genetics
Classification: Uncertain significance for Hereditary pancreatitis. Last evaluated: 2025-10-15. Review status: criteria provided, single submitter. Criteria: Ambry Variant Classification Scheme 2023. Collection method: clinical testing. Allele origin: germline.
Comment: The p.E380K variant (also known as c.1138G>A), located in coding exon 10 of the CPA1 gene, results from a G to A substitution at nucleotide position 1138. The glutamic acid at codon 380 is replaced by lysine, an amino acid with similar properties. This amino acid position is highly conserved in available vertebrate species. In addition, this alteration is predicted to be deleterious by in silico analysis. Based on the available evidence, the clinical significance of this variant remains unclear.

Labcorp Genetics (formerly Invitae), Labcorp
Classification: Uncertain significance. Last evaluated: 2022-02-06. Review status: criteria provided, single submitter. Criteria: Invitae Variant Classification Sherloc (09022015). Collection method: clinical testing. Allele origin: germline.
Comment: In summary, the available evidence is currently insufficient to determine the role of this variant in disease. Therefore, it has been classified as a Variant of Uncertain Significance. Experimental studies have shown that this missense change affects CPA1 function (PMID: 23955596). Algorithms developed to predict the effect of missense changes on protein structure and function are either unavailable or do not agree on the potential impact of this missense change (SIFT: "Tolerated"; PolyPhen-2: "Probably Damaging"; Align-GVGD: "Class C0"). This missense change has been observed in individual(s) with idiopathic chronic pancreatitis (PMID: 28497564). This variant is not present in population databases (gnomAD no frequency). This sequence change replaces glutamic acid, which is acidic and polar, with lysine, which is basic and polar, at codon 380 of the CPA1 protein (p.Glu380Lys).

Literature cited by the submitters: PubMed 23955596 (cited by Labcorp Genetics (formerly Invitae), Labcorp); PubMed 28497564 (cited by Labcorp Genetics (formerly Invitae), Labcorp).